The following is an entry in ClinVar:

ClinVar aggregate classification (germline): Uncertain significance (1 of 4 stars; one submission).

Conditions:
JMJD1C-related disorder. Also called: JMJD1C-related condition.

Submission:

PreventionGenetics, part of Exact Sciences
Classification: Uncertain significance for JMJD1C-related condition. Last evaluated: 2025-07-19. Review status: criteria provided, single submitter. Criteria: ACMG Guidelines, 2015. Collection method: clinical testing. Allele origin: germline.
Comment: The JMJD1C c.1080_1082delGAA variant is predicted to result in an in-frame deletion (p.Lys361del). To our knowledge, this variant has not been reported in the literature or in a large population database (gnomAD), indicating this variant is rare. At this time, the clinical significance of this variant is uncertain due to the absence of conclusive functional and genetic evidence.

NM_032776.3(JMJD1C):c.1080_1082del (p.Lys361del)

Gene: JMJD1C (jumonji domain containing 1C; minus strand). Cytogenetic location: 10q21.3.
Variant type: Deletion.
Coding change: c.1080_1082del on transcript NM_032776.3 (MANE Select); coding-DNA positions 1080 to 1082, 3 bases deleted (GAA; older notation c.1080_1082delGAA).
Protein change: p.Lys361del; deletes lysine 361.
Molecular consequence: inframe deletion. On other transcripts: non-coding transcript variant (1).
Genome position (GRCh38, 1-based): chr10:63,215,085-63,215,087, TTC deleted on the plus strand (GAA on the coding strand, the reverse complement: JMJD1C is on the minus strand); deleting any 3 consecutive bases within chr10:63,215,085-63,215,089 gives the same sequence; the c. name uses the placement nearest the transcript's 3' end. VCF-style (leftmost placement, unchanged base first): chr10-63215084-TTTC-T. GRCh37 (hg19) VCF-style: chr10-64974844-TTTC-T.
Other names: c.534_536del, p.Lys179del (NM_001282948.2, NM_001318154.2); c.216_218del, p.Lys73del (NM_001318153.2); c.966_968del, p.Lys323del (NM_001322252.2); c.423_425del, p.Lys142del (NM_001322254.2, NM_001322258.2); short protein forms K361del, K73del, K179del, K323del, K142del.
Identifiers: ClinVar variation 4987724 (VCV004987724.1).